The following is an entry in ClinVar:

NM_006766.5(KAT6A):c.3272A>G (p.Gln1091Arg)

Gene: KAT6A (lysine acetyltransferase 6A; minus strand). Cytogenetic location: 8p11.21.
Variant type: single nucleotide variant.
Coding change: c.3272A>G on transcript NM_006766.5 (MANE Select); coding-DNA position 3272, A replaced by G.
Protein change: p.Gln1091Arg; replaces glutamine 1091 with arginine.
Molecular consequence: missense variant.
Genome position (GRCh38, 1-based): chr8:41,937,336, T>C on the plus strand (A>G on the coding strand, the complement: KAT6A is on the minus strand). VCF-style: chr8-41937336-T-C. GRCh37 (hg19) VCF-style: chr8-41794854-T-C.
Other names: short protein forms Q1091R.
Identifiers: ClinVar variation 3678291 (VCV003678291.2).

ClinVar aggregate classification (germline): Uncertain significance (1 of 4 stars; one submission).

gnomAD v4.1: 3 of 1,614,118 alleles (0.00019%); highest among the groups gnomAD compares: Non-Finnish European, 0.00025%; no homozygotes.

Submission:

Labcorp Genetics (formerly Invitae), Labcorp
Classification: Uncertain significance. Last evaluated: 2024-02-12. Review status: criteria provided, single submitter. Criteria: Invitae Variant Classification Sherloc (09022015). Collection method: clinical testing. Allele origin: germline.
Comment: This sequence change replaces glutamine, which is neutral and polar, with arginine, which is basic and polar, at codon 1091 of the KAT6A protein (p.Gln1091Arg). This variant is not present in population databases (gnomAD no frequency). This variant has not been reported in the literature in individuals affected with KAT6A-related conditions. An algorithm developed to predict the effect of missense changes on protein structure and function (PolyPhen-2) suggests that this variant is likely to be disruptive. In summary, the available evidence is currently insufficient to determine the role of this variant in disease. Therefore, it has been classified as a Variant of Uncertain Significance.